The following is an entry in ClinVar:

ClinVar aggregate classification (germline): Uncertain significance (1 of 4 stars; one submission).

Conditions:
Cardiovascular phenotype. Identifiers: MedGen CN230736.

gnomAD v4.1: 2 of 1,614,078 alleles (0.00012%); highest among the groups gnomAD compares: Non-Finnish European, 0.00017%; no homozygotes.

Submission:

Ambry Genetics
Classification: Uncertain significance for Cardiovascular phenotype. Last evaluated: 2025-02-20. Review status: criteria provided, single submitter. Criteria: Ambry Variant Classification Scheme 2023. Collection method: clinical testing. Allele origin: germline.
Comment: The p.Y423H variant (also known as c.1267T>C), located in coding exon 8 of the TBX5 gene, results from a T to C substitution at nucleotide position 1267. The tyrosine at codon 423 is replaced by histidine, an amino acid with similar properties. This amino acid position is conserved. In addition, the in silico prediction for this alteration is inconclusive. Based on the available evidence, the clinical significance of this variant remains unclear.

NM_181486.4(TBX5):c.1267T>C (p.Tyr423His)

Gene: TBX5 (T-box transcription factor 5; minus strand). Cytogenetic location: 12q24.21.
Variant type: single nucleotide variant.
Coding change: c.1267T>C on transcript NM_181486.4 (MANE Select); coding-DNA position 1267, T replaced by C.
Protein change: p.Tyr423His; replaces tyrosine 423 with histidine.
Molecular consequence: missense variant.
Genome position (GRCh38, 1-based): chr12:114,355,822, A>G on the plus strand (T>C on the coding strand, the complement: TBX5 is on the minus strand). VCF-style: chr12-114355822-A-G. GRCh37 (hg19) VCF-style: chr12-114793627-A-G.
Other names: c.1267T>C, p.Tyr423His (NM_000192.3); c.1117T>C, p.Tyr373His (NM_080717.4); short protein forms Y373H, Y423H.
Identifiers: ClinVar variation 3804938 (VCV003804938.1).